The following is an entry in ClinVar:

NM_058179.4(PSAT1):c.358A>G (p.Thr120Ala)

Gene: PSAT1 (phosphoserine aminotransferase 1; plus strand). Cytogenetic location: 9q21.2.
Variant type: single nucleotide variant.
Coding change: c.358A>G on transcript NM_058179.4 (MANE Select); coding-DNA position 358, A replaced by G.
Protein change: p.Thr120Ala; replaces threonine 120 with alanine.
Molecular consequence: missense variant.
Genome position (GRCh38, 1-based): chr9:78,304,901, A>G. VCF-style: chr9-78304901-A-G. GRCh37 (hg19) VCF-style: chr9-80919817-A-G.
Other names: c.358A>G, p.Thr120Ala (NM_021154.5); short protein forms T120A.
Identifiers: ClinVar variation 1994959 (VCV001994959.4), dbSNP rs2489640558, ClinGen allele CA373872507.

ClinVar aggregate classification (germline): Uncertain significance (1 of 4 stars; one submission).

Conditions:
Neu-Laxova syndrome 2. Identifiers: Orphanet 2671, Orphanet 583602, MedGen C4015019, MONDO:0014466, OMIM 616038.

Submission:

Labcorp Genetics (formerly Invitae), Labcorp
Classification: Uncertain significance for Neu-Laxova syndrome 2. Last evaluated: 2022-05-17. Review status: criteria provided, single submitter. Criteria: Invitae Variant Classification Sherloc (09022015). Collection method: clinical testing. Allele origin: germline.
Comment: In summary, the available evidence is currently insufficient to determine the role of this variant in disease. Therefore, it has been classified as a Variant of Uncertain Significance. Algorithms developed to predict the effect of missense changes on protein structure and function (SIFT, PolyPhen-2, Align-GVGD) all suggest that this variant is likely to be tolerated. This variant has not been reported in the literature in individuals affected with PSAT1-related conditions. This variant is not present in population databases (gnomAD no frequency). This sequence change replaces threonine, which is neutral and polar, with alanine, which is neutral and non-polar, at codon 120 of the PSAT1 protein (p.Thr120Ala).